The following is an entry in ClinVar:

ClinVar aggregate classification (germline): Uncertain significance (1 of 4 stars; one submission).

Submission:

GeneDx
Classification: Uncertain significance. Last evaluated: 2020-06-17. Review status: criteria provided, single submitter. Criteria: GeneDx Variant Classification Process June 2021. Collection method: clinical testing. Allele origin: germline. Affected: yes.
Comment: Not observed in large population cohorts (Lek et al., 2016); In silico analysis supports that this missense variant has a deleterious effect on protein structure/function; Has not been previously published as pathogenic or benign to our knowledge

NM_001904.4(CTNNB1):c.1495C>T (p.His499Tyr)

Genes: CTNNB1 (catenin beta 1; plus strand), LOC126806659 (BRD4-independent group 4 enhancer GRCh37_chr3:41274918-41276117; plus strand). Cytogenetic location: 3p22.1.
Variant type: single nucleotide variant.
Coding change: c.1495C>T on transcript NM_001904.4 (MANE Select); coding-DNA position 1495, C replaced by T.
Protein change: p.His499Tyr; replaces histidine 499 with tyrosine.
Molecular consequence: missense variant.
Genome position (GRCh38, 1-based): chr3:41,233,838, C>T. VCF-style: chr3-41233838-C-T. GRCh37 (hg19) VCF-style: chr3-41275329-C-T.
Other names: c.1495C>T, p.His499Tyr (NM_001098209.2, NM_001098210.2); c.1474C>T, p.His492Tyr (NM_001330729.2); short protein forms H492Y, H499Y.
Identifiers: ClinVar variation 1318993 (VCV001318993.2), dbSNP rs1009476273, ClinGen allele CA352233819.